The following is an entry in ClinVar:

NM_018206.6(VPS35):c.1477C>T (p.Arg493Cys)

Gene: VPS35 (VPS35 retromer complex component; minus strand). Cytogenetic location: 16q11.2.
Variant type: single nucleotide variant.
Coding change: c.1477C>T on transcript NM_018206.6 (MANE Select); coding-DNA position 1477, C replaced by T.
Protein change: p.Arg493Cys; replaces arginine 493 with cysteine.
Molecular consequence: missense variant.
Genome position (GRCh38, 1-based): chr16:46,671,752, G>A on the plus strand (C>T on the coding strand, the complement: VPS35 is on the minus strand). VCF-style: chr16-46671752-G-A. GRCh37 (hg19) VCF-style: chr16-46705664-G-A.
Other names: c.1477C>T (NM_018206.4); short protein forms R493C.
Identifiers: ClinVar variation 1954113 (VCV001954113.7), dbSNP rs1367504626, ClinGen allele CA395807171.
Genomic context (GRCh38, chr16:46,671,752, plus strand): 5'-GGTAAACTCATACCAAGTACTGCTGGTCAGGGTCCTCAGAGCGCAGCAGATGAATGAAGC[G>A]GCCCACAAGGCTCTGCTCATCAGCAAAATCTTCTGGATCAGGGTCTTCTACAGGTTGATC-3'
Protein context (NP_060676.2, residues 483-503): DFADEQSLVG[Arg493Cys]FIHLLRSEDP

ClinVar aggregate classification (germline): Uncertain significance. Review status: criteria provided, multiple submitters, no conflicts (2 of 4 stars). 2 submissions from 2 submitters: Uncertain significance (2). Last evaluated 2025-03-14.

Conditions:
Parkinson disease 17 (PARK17). Also called: VPS35-Related Parkinson Disease. Identifiers: Orphanet 411602, MedGen C3280133, MONDO:0013625, OMIM 614203.

Allele frequency attached by ClinVar (database versions not stated): gnomAD 0.00001; gnomAD exomes 0.00001; TOPMed 0.00001.
gnomAD v4.1: 16 of 1,613,972 alleles (0.00099%); highest among the groups gnomAD compares: Non-Finnish European, 0.0013%; 1 homozygote.

Submissions (2):

GeneDx
Classification: Uncertain significance. Last evaluated: 2025-03-14. Review status: criteria provided, single submitter. Criteria: GeneDx Variant Classification Process June 2021. Collection method: clinical testing. Allele origin: germline. Affected: yes.
Comment: Not observed at significant frequency in large population cohorts (gnomAD); In silico analysis supports that this missense variant has a deleterious effect on protein structure/function; Has not been previously published as pathogenic or benign to our knowledge

Labcorp Genetics (formerly Invitae), Labcorp
Classification: Uncertain significance for Parkinson disease 17. Last evaluated: 2022-04-08. Review status: criteria provided, single submitter. Criteria: Invitae Variant Classification Sherloc (09022015). Collection method: clinical testing. Allele origin: germline.
Comment: This variant has not been reported in the literature in individuals affected with VPS35-related conditions. This sequence change replaces arginine, which is basic and polar, with cysteine, which is neutral and slightly polar, at codon 493 of the VPS35 protein (p.Arg493Cys). This variant is present in population databases (no rsID available, gnomAD 0.002%). Algorithms developed to predict the effect of missense changes on protein structure and function (SIFT, PolyPhen-2, Align-GVGD) all suggest that this variant is likely to be disruptive. In summary, the available evidence is currently insufficient to determine the role of this variant in disease. Therefore, it has been classified as a Variant of Uncertain Significance.